The following is an entry in ClinVar:

ClinVar aggregate classification (germline): Uncertain significance (1 of 4 stars; one submission).

gnomAD v4.1: 6 of 1,614,006 alleles (0.00037%); highest among the groups gnomAD compares: Non-Finnish European, 0.00042%; no homozygotes.

Submission:

Labcorp Genetics (formerly Invitae), Labcorp
Classification: Uncertain significance. Last evaluated: 2025-09-20. Review status: criteria provided, single submitter. Criteria: Invitae Variant Classification Sherloc (09022015). Collection method: clinical testing. Allele origin: germline.
Comment: This sequence change replaces serine, which is neutral and polar, with glycine, which is neutral and non-polar, at codon 2211 of the ANK3 protein (p.Ser2211Gly). This variant is not present in population databases (gnomAD no frequency). This variant has not been reported in the literature in individuals affected with ANK3-related conditions. An algorithm developed to predict the effect of missense changes on protein structure and function (PolyPhen-2) suggests that this variant is likely to be tolerated. In summary, the available evidence is currently insufficient to determine the role of this variant in disease. Therefore, it has been classified as a Variant of Uncertain Significance.

NM_020987.5(ANK3):c.6631A>G (p.Ser2211Gly)

Gene: ANK3 (ankyrin 3; minus strand). Cytogenetic location: 10q21.2.
Variant type: single nucleotide variant.
Coding change: c.6631A>G on transcript NM_020987.5 (MANE Select); coding-DNA position 6631, A replaced by G.
Protein change: p.Ser2211Gly; replaces serine 2211 with glycine.
Molecular consequence: missense variant. On other transcripts: intron variant (4).
Genome position (GRCh38, 1-based): chr10:60,074,250, T>C on the plus strand (A>G on the coding strand, the complement: ANK3 is on the minus strand). VCF-style: chr10-60074250-T-C. GRCh37 (hg19) VCF-style: chr10-61834008-T-C.
Other names: c.4388-6241A>G (NM_001204403.2); c.4409-6241A>G (NM_001204404.2); c.4406-6241A>G (NM_001320874.2); c.1808-6241A>G (NM_001149.4); short protein forms S2211G.
Identifiers: ClinVar variation 4763500 (VCV004763500.1).